The following is an entry in ClinVar:

ClinVar aggregate classification (germline): Uncertain significance. Review status: criteria provided, single submitter (1 of 4 stars). 3 submissions from 3 submitters: Uncertain significance (1). 2 of the submissions do not count toward it. Last evaluated 2025-09-25.

Conditions:
Cardiovascular phenotype. Identifiers: MedGen CN230736.

Submissions (3):

Ambry Genetics
Classification: Uncertain significance for Cardiovascular phenotype. Last evaluated: 2025-09-25. Review status: criteria provided, single submitter. Criteria: Ambry Variant Classification Scheme 2023. Collection method: clinical testing. Allele origin: germline.
Comment: The p.S369L variant (also known as c.1106C>T), located in coding exon 1 of the KCNJ2 gene, results from a C to T substitution at nucleotide position 1106. The serine at codon 369 is replaced by leucine, an amino acid with dissimilar properties. This variant was detected in a cardiomyopathy/arrhythmia genetic testing cohort; however, clinical details were limited, and additional cardiac variants were detected in some cases (van Lint FHM et al. Neth Heart J, 2019 Jun;27:304-309). This amino acid position is highly conserved in available vertebrate species. In addition, this alteration is predicted to be deleterious by in silico analysis. Based on the available evidence, the clinical significance of this variant remains unclear.

Clinical Genetics, Academic Medical Center
Classification: Uncertain significance. Review status: no assertion criteria provided. Collection method: clinical testing. Allele origin: germline. Affected: yes. Study: VKGL Data-share Consensus. Not counted in ClinVar's aggregate classification.

Diagnostic Laboratory, Department of Genetics, University Medical Center Groningen
Classification: Uncertain significance. Review status: no assertion criteria provided. Collection method: clinical testing. Allele origin: germline. Affected: yes. Study: VKGL Data-share Consensus. Not counted in ClinVar's aggregate classification.

Literature cited by the submitters: PubMed 30847666 (cited by Ambry Genetics).

NM_000891.3(KCNJ2):c.1106C>T (p.Ser369Leu)

Gene: KCNJ2 (potassium inwardly rectifying channel subfamily J member 2; plus strand). Cytogenetic location: 17q24.3.
Variant type: single nucleotide variant.
Coding change: c.1106C>T on transcript NM_000891.3 (MANE Select); coding-DNA position 1106, C replaced by T.
Protein change: p.Ser369Leu; replaces serine 369 with leucine.
Molecular consequence: missense variant.
Genome position (GRCh38, 1-based): chr17:70,176,145, C>T. VCF-style: chr17-70176145-C-T. GRCh37 (hg19) VCF-style: chr17-68172286-C-T.
Other names: c.1106C>T (NM_000891.2); short protein forms S369L.
Identifiers: ClinVar variation 1328068 (VCV001328068.3), dbSNP rs2144377947, ClinGen allele CA400863533.
Genomic context (GRCh38, chr17:70,176,145, plus strand): 5'-AAGTCCCCAACACTCCCCTTTGTAGTGCCAGAGACTTAGCAGAAAAGAAATATATCCTCT[C>T]AAATGCAAATTCATTTTGCTATGAAAATGAAGTTGCCCTCACAAGCAAAGAGGAAGACGA-3'
Protein context (NP_000882.1, residues 359-379): RDLAEKKYIL[Ser369Leu]NANSFCYENE